The following is an entry in ClinVar:

ClinVar aggregate classification (germline): Uncertain significance (1 of 4 stars; one submission).

Conditions:
RP1L1-related disorder. Also called: RP1L1-related condition.

gnomAD v4.1: 6 of 1,612,892 alleles (0.00037%); highest among the groups gnomAD compares: Non-Finnish European, 0.00051%; no homozygotes.

Submission:

PreventionGenetics, part of Exact Sciences
Classification: Uncertain significance for RP1L1-related condition. Last evaluated: 2025-03-14. Review status: criteria provided, single submitter. Criteria: ACMG Guidelines, 2015. Collection method: clinical testing. Allele origin: germline.
Comment: The RP1L1 c.2791G>A variant is predicted to result in the amino acid substitution p.Gly931Arg. To our knowledge, this variant has not been reported in the literature or in a large population database (gnomAD), indicating this variant is rare. At this time, the clinical significance of this variant is uncertain due to the absence of conclusive functional and genetic evidence.

NM_178857.6(RP1L1):c.2791G>A (p.Gly931Arg)

Gene: RP1L1 (RP1 like 1). Cytogenetic location: 8p23.1.
Variant type: single nucleotide variant.
Coding change: c.2791G>A on transcript NM_178857.6 (MANE Select); coding-DNA position 2791, G replaced by A.
Protein change: p.Gly931Arg; replaces glycine 931 with arginine.
Molecular consequence: missense variant.
Genome position (GRCh38, 1-based): chr8:10,611,307, C>T on the plus strand (G>A on the coding strand, the complement: RP1L1 is on the minus strand). VCF-style: chr8-10611307-C-T. GRCh37 (hg19) VCF-style: chr8-10468817-C-T.
Other names: short protein forms G931R.
Identifiers: ClinVar variation 4984659 (VCV004984659.1).